The following is an entry in ClinVar:

NM_001271.4(CHD2):c.247A>C (p.Lys83Gln)

Gene: CHD2 (chromodomain helicase DNA binding protein 2; plus strand). Cytogenetic location: 15q26.1.
Variant type: single nucleotide variant.
Coding change: c.247A>C on transcript NM_001271.4 (MANE Select); coding-DNA position 247, A replaced by C.
Protein change: p.Lys83Gln; replaces lysine 83 with glutamine.
Molecular consequence: missense variant.
Genome position (GRCh38, 1-based): chr15:92,924,505, A>C. VCF-style: chr15-92924505-A-C. GRCh37 (hg19) VCF-style: chr15-93467735-A-C.
Other names: c.247A>C, p.Lys83Gln (NM_001042572.3); short protein forms K83Q.
Identifiers: ClinVar variation 2002459 (VCV002002459.4), dbSNP rs2505384770, ClinGen allele CA393896396.
Genomic context (GRCh38, chr15:92,924,505, plus strand): 5'-CAGTCGGAATCTGAGAGCGAATCAGCAGGTTCCAAATCCCAGCCAGTCCTCCCAGAAGCC[A>C]AAGAGAAGCCAGCCTCTAAGAAGGAACGGATAGCTGATGTGAAGAAGGTATCTACTTTGC-3'
Protein context (NP_001262.3, residues 73-93): SKSQPVLPEA[Lys83Gln]EKPASKKERI

ClinVar aggregate classification (germline): Uncertain significance (1 of 4 stars; one submission).

Conditions:
Developmental and epileptic encephalopathy 94 (DEE94). Also called: CHD2-Related Neurodevelopmental Disorders; Epileptic encephalopathy, childhood-onset. Identifiers: Orphanet 1942, Orphanet 2382, MedGen C3809278, MONDO:0014150, OMIM 615369.

Submission:

Labcorp Genetics (formerly Invitae), Labcorp
Classification: Uncertain significance for Developmental and epileptic encephalopathy 94. Last evaluated: 2022-06-06. Review status: criteria provided, single submitter. Criteria: Invitae Variant Classification Sherloc (09022015). Collection method: clinical testing. Allele origin: germline.
Comment: This sequence change replaces lysine, which is basic and polar, with glutamine, which is neutral and polar, at codon 83 of the CHD2 protein (p.Lys83Gln). This variant is not present in population databases (gnomAD no frequency). This variant has not been reported in the literature in individuals affected with CHD2-related conditions. Advanced modeling of protein sequence and biophysical properties (such as structural, functional, and spatial information, amino acid conservation, physicochemical variation, residue mobility, and thermodynamic stability) performed at Invitae indicates that this missense variant is not expected to disrupt CHD2 protein function. In summary, the available evidence is currently insufficient to determine the role of this variant in disease. Therefore, it has been classified as a Variant of Uncertain Significance.